The following is an entry in ClinVar:

ClinVar aggregate classification (germline): Likely benign. Review status: criteria provided, multiple submitters, no conflicts (2 of 4 stars). 3 submissions from 3 submitters: Likely benign (3). Last evaluated 2025-03-04.

Conditions:
Hereditary diffuse gastric adenocarcinoma (HDGC). Also called: DIFFUSE GASTRIC AND LOBULAR BREAST CANCER SYNDROME. Identifiers: Orphanet 26106, MedGen C1708349, MONDO:0007648, OMIM 137215.

Submissions (3):

Center for Genomic Medicine, Rigshospitalet, Copenhagen University Hospital
Classification: Likely benign. Last evaluated: 2025-03-04. Review status: criteria provided, single submitter. Criteria: ACMG Guidelines, 2015. Collection method: clinical testing. Allele origin: germline.

Myriad Genetics, Inc.
Classification: Likely benign for Hereditary diffuse gastric adenocarcinoma. Last evaluated: 2024-09-18. Review status: criteria provided, single submitter. Criteria: Myriad Autosomal Dominant, Autosomal Recessive and X-Linked Classification Criteria (2023). Collection method: clinical testing. Allele origin: unknown.
Comment: This variant is considered likely benign. This variant is intronic and is not expected to impact mRNA splicing.

Labcorp Genetics (formerly Invitae), Labcorp
Classification: Likely benign for Hereditary diffuse gastric adenocarcinoma. Last evaluated: 2021-02-11. Review status: criteria provided, single submitter. Criteria: Invitae Variant Classification Sherloc (09022015). Collection method: clinical testing. Allele origin: germline.

NM_004360.5(CDH1):c.1320+9G>T

Gene: CDH1 (cadherin 1; plus strand). Cytogenetic location: 16q22.1.
Variant type: single nucleotide variant.
Coding change: c.1320+9G>T on transcript NM_004360.5 (MANE Select); 9 bases into the intron after coding-DNA position 1320, G replaced by T.
Molecular consequence: intron variant. On other transcripts: 5 prime UTR variant (1).
Genome position (GRCh38, 1-based): chr16:68,813,504, G>T. VCF-style: chr16-68813504-G-T. GRCh37 (hg19) VCF-style: chr16-68847407-G-T.
Other names: c.-287G>T (NM_001317185.2); c.-500+9G>T (NM_001317186.2); c.1137+1241G>T (NM_001317184.2).
Identifiers: ClinVar variation 1632214 (VCV001632214.14), dbSNP rs1276697924, ClinGen allele CA396462011.